The following is an entry in ClinVar:

ClinVar aggregate classification (germline): Benign (1 of 4 stars; one submission).

Conditions:
Fibrous dysplasia of jaw (CRBM). Also called: Cherubism. Identifiers: Orphanet 184, MedGen C0008029, MONDO:0007315, OMIM 118400.

Allele frequency attached by ClinVar (database versions not stated): gnomAD 0.00419 and 0.00430; TOPMed 0.00441; 1000 Genomes Project 0.00739; 1000 Genomes Project 30x 0.00781.

Submission:

Illumina Laboratory Services, Illumina
Classification: Benign for Fibrous dysplasia of jaw. Last evaluated: 2018-01-12. Review status: criteria provided, single submitter. Criteria: ICSL Variant Classification Criteria 13 December 2019. Collection method: clinical testing. Allele origin: germline.
Comment: This variant was observed in the ICSL laboratory as part of a predisposition screen in an ostensibly healthy population. It had not been previously curated by ICSL or reported in the Human Gene Mutation Database (HGMD: prior to June 1st, 2018), and was therefore a candidate for classification through an automated scoring system. Utilizing variant allele frequency, disease prevalence and penetrance estimates, and inheritance mode, an automated score was calculated to assess if this variant is too frequent to cause the disease. Based on the score and internal cut-off values, a variant classified as benign is not then subjected to further curation. The score for this variant resulted in a classification of benign for this disease.

NM_001122681.2(SH3BP2):c.*4992C>A

Gene: SH3BP2 (SH3 domain binding protein 2; plus strand). Cytogenetic location: 4p16.3.
Variant type: single nucleotide variant.
Coding change: c.*4992C>A on transcript NM_001122681.2 (MANE Select); 4992 bases downstream of the stop codon, C replaced by A.
Molecular consequence: 3 prime UTR variant.
Genome position (GRCh38, 1-based): chr4:2,838,826, C>A. VCF-style: chr4-2838826-C-A. GRCh37 (hg19) VCF-style: chr4-2840553-C-A.
Other names: c.*4992C>A (LRG_1334t2, LRG_1334t1, NM_001145855.2 and 2 more transcripts).
Identifiers: ClinVar variation 348680 (VCV000348680.5), dbSNP rs142420602, ClinGen allele CA10620979.